The following is an entry in ClinVar:

ClinVar aggregate classification (germline): Benign/Likely benign. Review status: criteria provided, multiple submitters, no conflicts (2 of 4 stars). 3 submissions from 3 submitters: Benign (2); Likely benign (1). Last evaluated 2026-01-27.

Conditions:
Congenital disorder of glycosylation type Ir (CDG1R). Also called: DDOST-congenital disorder of glycosylation. Identifiers: Orphanet 300536, MedGen C3281084, MONDO:0013789, OMIM 614507.

Allele frequency attached by ClinVar (database versions not stated): gnomAD exomes 0.00089; ExAC 0.00113; ESP Exome Variant Server 0.00254; 1000 Genomes Project 30x 0.00265; gnomAD 0.00291 and 0.00320; TOPMed 0.00314; 1000 Genomes Project 0.00319.
gnomAD v4.1: 1,011 of 1,613,914 alleles (0.063%); highest among the groups gnomAD compares: African/African-American, 1.1%; 1 homozygote.

Submissions (3):

Labcorp Genetics (formerly Invitae), Labcorp
Classification: Benign for Congenital disorder of glycosylation type Ir. Last evaluated: 2026-01-27. Review status: criteria provided, single submitter. Criteria: Invitae Variant Classification Sherloc (09022015). Collection method: clinical testing. Allele origin: germline.

Blueprint Genetics
Classification: Likely benign. Last evaluated: 2024-09-02. Review status: criteria provided, single submitter. Criteria: ACMG Guidelines, 2015. Collection method: clinical testing. Allele origin: germline.

GeneDx
Classification: Benign. Last evaluated: 2017-04-20. Review status: criteria provided, single submitter. Criteria: GeneDx Variant Classification (06012015). Collection method: clinical testing. Allele origin: germline. Affected: yes.
Comment: This variant is considered likely benign or benign based on one or more of the following criteria: it is a conservative change, it occurs at a poorly conserved position in the protein, it is predicted to be benign by multiple in silico algorithms, and/or has population frequency not consistent with disease.

NM_005216.5(DDOST):c.1176C>T (p.Ser392=)

Gene: DDOST (dolichyl-diphosphooligosaccharide--protein glycosyltransferase non-catalytic subunit; minus strand). Cytogenetic location: 1p36.12.
Variant type: single nucleotide variant.
Coding change: c.1176C>T on transcript NM_005216.5 (MANE Select); coding-DNA position 1176, C replaced by T.
Protein change: p.Ser392=; no amino-acid change (serine 392 retained).
Molecular consequence: synonymous variant.
Genome position (GRCh38, 1-based): chr1:20,652,523, G>A on the plus strand (C>T on the coding strand, the complement: DDOST is on the minus strand). VCF-style: chr1-20652523-G-A. GRCh37 (hg19) VCF-style: chr1-20979016-G-A.
Identifiers: ClinVar variation 517032 (VCV000517032.12), dbSNP rs149576051, ClinGen allele CA660996.